The following is an entry in ClinVar:

ClinVar aggregate classification (germline): Benign/Likely benign. Review status: criteria provided, multiple submitters, no conflicts (2 of 4 stars). 4 submissions from 4 submitters: Benign (1); Likely benign (2). 1 of the submissions does not count toward it. Last evaluated 2026-06-01.

Conditions:
BACH2-related disorder. Also called: BACH2-related condition.

Allele frequency attached by ClinVar (database versions not stated): 1000 Genomes Project 30x 0.00281; 1000 Genomes Project 0.00319; gnomAD 0.00360; TOPMed 0.00372; ExAC 0.00386; gnomAD exomes 0.00400; ESP Exome Variant Server 0.00492.
gnomAD v4.1: 10,138 of 1,611,212 alleles (0.63%); highest among the groups gnomAD compares: Non-Finnish European, 0.79%; 38 homozygotes.

Submissions (4):

CeGaT Center for Human Genetics Tuebingen
Classification: Likely benign. Last evaluated: 2026-06-01. Review status: criteria provided, single submitter. Criteria: CeGaT Center For Human Genetics Tuebingen Variant Classification Criteria Version 2. Collection method: clinical testing. Allele origin: germline. Affected: yes. Observed: 12 variant alleles.
Comment: BACH2: BP4, BP7, BS2

Labcorp Genetics (formerly Invitae), Labcorp
Classification: Benign. Last evaluated: 2026-02-01. Review status: criteria provided, single submitter. Criteria: Invitae Variant Classification Sherloc (09022015). Collection method: clinical testing. Allele origin: germline.

Mayo Clinic Laboratories, Mayo Clinic
Classification: Likely benign. Last evaluated: 2025-03-31. Review status: criteria provided, single submitter. Criteria: ACMG Guidelines, 2015. Collection method: clinical testing. Allele origin: germline. Observed: 1 variant allele.
Comment: BP4, BP7

PreventionGenetics, part of Exact Sciences
Classification: Likely benign for BACH2-related condition. Last evaluated: 2019-04-12. Review status: no assertion criteria provided. Collection method: clinical testing. Allele origin: germline. Not counted in ClinVar's aggregate classification.
Comment: This variant is classified as likely benign based on ACMG/AMP sequence variant interpretation guidelines (Richards et al. 2015 PMID: 25741868, with internal and published modifications).

NM_021813.4(BACH2):c.1536C>G (p.Pro512=)

Gene: BACH2 (BACH transcriptional regulator 2; minus strand). Cytogenetic location: 6q15.
Variant type: single nucleotide variant.
Coding change: c.1536C>G on transcript NM_021813.4 (MANE Select); coding-DNA position 1536, C replaced by G.
Protein change: p.Pro512=; no amino-acid change (proline 512 retained).
Molecular consequence: synonymous variant.
Genome position (GRCh38, 1-based): chr6:89,950,570, G>C on the plus strand (C>G on the coding strand, the complement: BACH2 is on the minus strand). VCF-style: chr6-89950570-G-C. GRCh37 (hg19) VCF-style: chr6-90660289-G-C.
Other names: p.Pro512=; c.1536C>G (NM_021813.3); c.1536C>G, p.Pro512= (NM_001170794.2).
Identifiers: ClinVar variation 715402 (VCV000715402.36), dbSNP rs149586909, ClinGen allele CA3927966.